The following is an entry in ClinVar:

NM_001166108.2(PALLD):c.1241T>G (p.Leu414Arg)

Gene: PALLD (palladin, cytoskeletal associated protein; plus strand). Cytogenetic location: 4q32.3.
Variant type: single nucleotide variant.
Coding change: c.1241T>G on transcript NM_001166108.2 (MANE Select); coding-DNA position 1241, T replaced by G.
Protein change: p.Leu414Arg; replaces leucine 414 with arginine.
Molecular consequence: missense variant.
Genome position (GRCh38, 1-based): chr4:168,683,084, T>G. VCF-style: chr4-168683084-T-G. GRCh37 (hg19) VCF-style: chr4-169604235-T-G.
Other names: c.95T>G, p.Leu32Arg (NM_001166109.2); c.1241T>G, p.Leu414Arg (NM_016081.4); short protein forms L32R, L414R.
Identifiers: ClinVar variation 3413561 (VCV003413561.1).

ClinVar aggregate classification (germline): Uncertain significance (1 of 4 stars; one submission).

gnomAD v4.1: 2 of 1,605,970 alleles (0.00012%); highest among the groups gnomAD compares: Admixed American, 0.0033%; no homozygotes.

Submission:

Ambry Genetics
Classification: Uncertain significance. Last evaluated: 2024-09-23. Review status: criteria provided, single submitter. Criteria: Ambry Variant Classification Scheme 2023. Collection method: clinical testing. Allele origin: germline.
Comment: The p.L414R variant (also known as c.1241T>G), located in coding exon 4 of the PALLD gene, results from a T to G substitution at nucleotide position 1241. The leucine at codon 414 is replaced by arginine, an amino acid with dissimilar properties. This amino acid position is conserved. In addition, the in silico prediction for this alteration is inconclusive. Based on the available evidence, the clinical significance of this variant remains unclear.